The following is an entry in ClinVar:

NM_013275.6(ANKRD11):c.1616_1617del (p.Thr539fs)

Gene: ANKRD11 (ankyrin repeat domain 11; minus strand). Cytogenetic location: 16q24.3.
Variant type: Microsatellite.
Coding change: c.1616_1617del on transcript NM_013275.6 (MANE Select); coding-DNA positions 1616 to 1617, 2 bases deleted (CA; older notation c.1616_1617delCA).
Protein change: p.Thr539fs; shifts the reading frame from threonine 539.
Molecular consequence: frameshift variant.
Genome position (GRCh38, 1-based): chr16:89,284,925-89,284,926, TG deleted on the plus strand (CA on the coding strand, the reverse complement: ANKRD11 is on the minus strand); deleting any 2 consecutive bases within chr16:89,284,925-89,284,930 gives the same sequence; the c. name uses the placement nearest the transcript's 3' end. VCF-style (leftmost placement, unchanged base first): chr16-89284924-CTG-C. GRCh37 (hg19) VCF-style: chr16-89351332-CTG-C.
Other names: c.1616_1617del, p.Thr539fs (NM_001256182.2, NM_001256183.2); short protein forms T539fs.
Identifiers: ClinVar variation 2584471 (VCV002584471.1), dbSNP rs2544244349, ClinGen allele CA2582342606.
Genomic context (GRCh38, chr16:89,284,924, plus strand): 5'-ACCAAGCCGGGGAAGAAATGGTTTTCCAATTGTCTGTCCGCCAGTGCTTGGTGTGCTGGT[CTG>C]TGTGGCTGGGGTTCTGCTTCTGGGCGGCAGAGCTCCCGTGAGACGAGGTGGAGGAGGCAG-3'

ClinVar aggregate classification (germline): Pathogenic (1 of 4 stars; one submission).

Conditions:
KBG syndrome (KBGS). Also called: ANKRD11-Related KBG Syndrome. Identifiers: Orphanet 2332, MedGen C0220687, MONDO:0007846, OMIM 148050.

Submission:

Rady Children's Institute for Genomic Medicine, Rady Children's Hospital San Diego
Classification: Pathogenic for KBG SYNDROME. Review status: criteria provided, single submitter. Criteria: ACMG Guidelines, 2015. Collection method: clinical testing. Allele origin: germline. Affected: yes.
Comment: This frameshifting variant in exon 9 of 13 introduces a premature stop codon and is therefore predicted to result in loss of normal protein function through either protein truncation or nonsense-mediated mRNA decay (NMD). This variant has not been previously reported or functionally characterized in the literature to our knowledge. Loss-of-function variation in ANKRD11 is an established mechanism of disease (PMID: 21782149). The c.1616_1617del (p.Thr539ArgfsTer39) variant is absent from the gnomAD population database and thus is presumed to be rare. Analysis of the parental samples was negative for the variant, indicating this variant likely occurred as a de novo event. Based on the available evidence, the c.1616_1617del (p.Thr539ArgfsTer39) variant is classified as Pathogenic.